The following is an entry in ClinVar:

ClinVar aggregate classification (germline): Uncertain significance (1 of 4 stars; one submission).

Submission:

Ambry Genetics
Classification: Uncertain significance. Last evaluated: 2024-10-11. Review status: criteria provided, single submitter. Criteria: Ambry Variant Classification Scheme 2023. Collection method: clinical testing. Allele origin: germline.
Comment: The p.V220G variant (also known as c.659T>G), located in coding exon 6 of the KIF1B gene, results from a T to G substitution at nucleotide position 659. The valine at codon 220 is replaced by glycine, an amino acid with dissimilar properties. This amino acid position is conserved. In addition, this alteration is predicted to be deleterious by in silico analysis. Based on the available evidence, the clinical significance of this variant remains unclear.

NM_001365951.3(KIF1B):c.659T>G (p.Val220Gly)

Gene: KIF1B (kinesin family member 1B; plus strand). Cytogenetic location: 1p36.22.
Variant type: single nucleotide variant.
Coding change: c.659T>G on transcript NM_001365951.3 (MANE Select); coding-DNA position 659, T replaced by G.
Protein change: p.Val220Gly; replaces valine 220 with glycine.
Molecular consequence: missense variant.
Genome position (GRCh38, 1-based): chr1:10,268,202, T>G. VCF-style: chr1-10268202-T-G. GRCh37 (hg19) VCF-style: chr1-10328260-T-G.
Other names: c.659T>G, p.Val220Gly (NM_001365952.1, NM_001365953.1, NM_015074.3 and 1 more transcripts); short protein forms V220G.
Identifiers: ClinVar variation 3534041 (VCV003534041.1).